The following is an entry in ClinVar:

NM_031935.3(HMCN1):c.12937C>A (p.Leu4313Ile)

Gene: HMCN1 (hemicentin 1; plus strand). Cytogenetic location: 1q31.1.
Variant type: single nucleotide variant.
Coding change: c.12937C>A on transcript NM_031935.3 (MANE Select); coding-DNA position 12937, C replaced by A.
Protein change: p.Leu4313Ile; replaces leucine 4313 with isoleucine.
Molecular consequence: missense variant.
Genome position (GRCh38, 1-based): chr1:186,129,998, C>A. VCF-style: chr1-186129998-C-A. GRCh37 (hg19) VCF-style: chr1-186099130-C-A.
Other names: short protein forms L4313I.
Identifiers: ClinVar variation 3656454 (VCV003656454.2).

ClinVar aggregate classification (germline): Uncertain significance (1 of 4 stars; one submission).

Submission:

Labcorp Genetics (formerly Invitae), Labcorp
Classification: Uncertain significance. Last evaluated: 2024-10-30. Review status: criteria provided, single submitter. Criteria: Invitae Variant Classification Sherloc (09022015). Collection method: clinical testing. Allele origin: germline.
Comment: This sequence change replaces leucine, which is neutral and non-polar, with isoleucine, which is neutral and non-polar, at codon 4313 of the HMCN1 protein (p.Leu4313Ile). This variant is not present in population databases (gnomAD no frequency). This variant has not been reported in the literature in individuals affected with HMCN1-related conditions. An algorithm developed to predict the effect of missense changes on protein structure and function (PolyPhen-2) suggests that this variant is likely to be disruptive. In summary, the available evidence is currently insufficient to determine the role of this variant in disease. Therefore, it has been classified as a Variant of Uncertain Significance.